The following is an entry in ClinVar:

NM_000264.5(PTCH1):c.3226A>G (p.Ile1076Val)

Gene: PTCH1 (patched 1; minus strand). Cytogenetic location: 9q22.32.
Variant type: single nucleotide variant.
Coding change: c.3226A>G on transcript NM_000264.5 (MANE Select); coding-DNA position 3226, A replaced by G.
Protein change: p.Ile1076Val; replaces isoleucine 1076 with valine.
Molecular consequence: missense variant. On other transcripts: non-coding transcript variant (1).
Genome position (GRCh38, 1-based): chr9:95,456,356, T>C on the plus strand (A>G on the coding strand, the complement: PTCH1 is on the minus strand). VCF-style: chr9-95456356-T-C. GRCh37 (hg19) VCF-style: chr9-98218638-T-C.
Other names: c.3028A>G, p.Ile1010Val (NM_001083602.3); c.3223A>G, p.Ile1075Val (NM_001083603.3); c.2773A>G, p.Ile925Val (NM_001083604.3, NM_001083605.3, NM_001083606.3 and 1 more transcripts); c.3070A>G, p.Ile1024Val (NM_001354918.2); short protein forms I1010V, I1076V, I925V, I1024V, I1075V.
Identifiers: ClinVar variation 1729123 (VCV001729123.2), dbSNP rs753833857, ClinGen allele CA5138204.

ClinVar aggregate classification (germline): Uncertain significance (1 of 4 stars; one submission).

Conditions:
Hereditary cancer-predisposing syndrome. Also called: Tumor predisposition; Neoplastic Syndromes, Hereditary; Hereditary Cancer Syndrome; Hereditary neoplastic syndrome. Identifiers: Orphanet 140162, MedGen C0027672, MeSH D009386, MONDO:0015356.

Allele frequency attached by ClinVar (database versions not stated): gnomAD exomes below 0.00001; ExAC 0.00001.
gnomAD v4.1: 1 of 1,614,084 alleles (0.000062%); highest among the groups gnomAD compares: South Asian, 0.0011%; no homozygotes.

Submission:

Ambry Genetics
Classification: Uncertain significance for Hereditary cancer-predisposing syndrome. Last evaluated: 2022-10-18. Review status: criteria provided, single submitter. Criteria: Ambry Variant Classification Scheme 2023. Collection method: clinical testing. Allele origin: germline.
Comment: The p.I1076V variant (also known as c.3226A>G), located in coding exon 19 of the PTCH1 gene, results from an A to G substitution at nucleotide position 3226. The isoleucine at codon 1076 is replaced by valine, an amino acid with highly similar properties. This amino acid position is highly conserved in available vertebrate species. In addition, the in silico prediction for this alteration is inconclusive. Since supporting evidence is limited at this time, the clinical significance of this alteration remains unclear.